The following is an entry in ClinVar:

ClinVar aggregate classification (germline): Uncertain significance (1 of 4 stars; one submission).

Allele frequency attached by ClinVar (database versions not stated): gnomAD exomes below 0.00001; TOPMed below 0.00001; ExAC 0.00001; gnomAD 0.00001; ESP Exome Variant Server 0.00008.
gnomAD v4.1: 3 of 1,605,750 alleles (0.00019%); highest among the groups gnomAD compares: Non-Finnish European, 0.00026%; no homozygotes.

Submission:

Labcorp Genetics (formerly Invitae), Labcorp
Classification: Uncertain significance. Last evaluated: 2022-07-19. Review status: criteria provided, single submitter. Criteria: Invitae Variant Classification Sherloc (09022015). Collection method: clinical testing. Allele origin: germline.
Comment: In summary, the available evidence is currently insufficient to determine the role of this variant in disease. Therefore, it has been classified as a Variant of Uncertain Significance. Algorithms developed to predict the effect of sequence changes on RNA splicing suggest that this variant may create or strengthen a splice site. Algorithms developed to predict the effect of missense changes on protein structure and function are either unavailable or do not agree on the potential impact of this missense change (SIFT: "Tolerated"; PolyPhen-2: "Probably Damaging"; Align-GVGD: "Class C0"). ClinVar contains an entry for this variant (Variation ID: 1353648). This variant has not been reported in the literature in individuals affected with CD46-related conditions. This variant is not present in population databases (gnomAD no frequency). This sequence change replaces lysine, which is basic and polar, with arginine, which is basic and polar, at codon 322 of the CD46 protein (p.Lys322Arg).

NM_172351.3(CD46):c.920A>G (p.Lys307Arg)

Gene: CD46 (CD46 molecule; plus strand). Cytogenetic location: 1q32.2.
Variant type: single nucleotide variant.
Coding change: c.920A>G on transcript NM_172351.3 (MANE Select); coding-DNA position 920, A replaced by G.
Protein change: p.Lys307Arg; replaces lysine 307 with arginine.
Molecular consequence: missense variant. On other transcripts: intron variant (4).
Genome position (GRCh38, 1-based): chr1:207,770,339, A>G. VCF-style: chr1-207770339-A-G. GRCh37 (hg19) VCF-style: chr1-207943684-A-G.
Other names: c.965A>G, p.Lys322Arg (NM_002389.4, NM_172359.3); c.920A>G, p.Lys307Arg (NM_153826.4, NM_172358.3); c.875A>G, p.Lys292Arg (NM_172350.3, NM_172352.3, NM_172353.3); c.901+2516A>G (NM_172355.3, NM_172356.3); c.856+3144A>G (NM_172357.3, NM_172361.3); short protein forms K292R, K307R, K322R.
Identifiers: ClinVar variation 1353648 (VCV001353648.8), dbSNP rs138456489, ClinGen allele CA1371819.